The following is an entry in ClinVar:

NM_005228.5(EGFR):c.799C>T (p.Leu267Phe)

Gene: EGFR (epidermal growth factor receptor; plus strand). Cytogenetic location: 7p11.2.
Variant type: single nucleotide variant.
Coding change: c.799C>T on transcript NM_005228.5 (MANE Select); coding-DNA position 799, C replaced by T.
Protein change: p.Leu267Phe; replaces leucine 267 with phenylalanine.
Molecular consequence: missense variant. On other transcripts: intron variant (1).
Genome position (GRCh38, 1-based): chr7:55,154,062, C>T. VCF-style: chr7-55154062-C-T. GRCh37 (hg19) VCF-style: chr7-55221755-C-T.
Other names: c.664C>T, p.Leu222Phe (NM_001346897.2, NM_001346899.2); c.799C>T, p.Leu267Phe (NM_001346898.2, NM_201282.2, NM_201283.2 and 1 more transcripts); c.640C>T, p.Leu214Phe (NM_001346900.2); c.89-1768C>T (NM_001346941.2); short protein forms L222F, L214F, L267F.
Identifiers: ClinVar variation 2803471 (VCV002803471.3), dbSNP rs2128934950, ClinGen allele CA367577694.

ClinVar aggregate classification (germline): Uncertain significance (1 of 4 stars; one submission).

Conditions:
EGFR-related lung cancer (EGFR). Identifiers: MedGen CN130014.

Submission:

Labcorp Genetics (formerly Invitae), Labcorp
Classification: Uncertain significance for EGFR-related lung cancer. Last evaluated: 2025-10-23. Review status: criteria provided, single submitter. Criteria: Invitae Variant Classification Sherloc (09022015). Collection method: clinical testing. Allele origin: germline.
Comment: This sequence change replaces leucine, which is neutral and non-polar, with phenylalanine, which is neutral and non-polar, at codon 267 of the EGFR protein (p.Leu267Phe). This variant is not present in population databases (gnomAD no frequency). This variant has not been reported in the literature in individuals affected with EGFR-related conditions. ClinVar contains an entry for this variant (Variation ID: 2803471). Invitae Evidence Modeling of protein sequence and biophysical properties (such as structural, functional, and spatial information, amino acid conservation, physicochemical variation, residue mobility, and thermodynamic stability) indicates that this missense variant is expected to disrupt EGFR protein function with a positive predictive value of 80%. In summary, the available evidence is currently insufficient to determine the role of this variant in disease. Therefore, it has been classified as a Variant of Uncertain Significance.